The following is an entry in ClinVar:

NM_016107.5(ZFR):c.2744G>A (p.Arg915Lys)

Gene: ZFR (zinc finger RNA binding protein; minus strand). Cytogenetic location: 5p13.3.
Variant type: single nucleotide variant.
Coding change: c.2744G>A on transcript NM_016107.5 (MANE Select); coding-DNA position 2744, G replaced by A.
Protein change: p.Arg915Lys; replaces arginine 915 with lysine.
Molecular consequence: missense variant. On other transcripts: non-coding transcript variant (1).
Genome position (GRCh38, 1-based): chr5:32,379,206, C>T on the plus strand (G>A on the coding strand, the complement: ZFR is on the minus strand). VCF-style: chr5-32379206-C-T. GRCh37 (hg19) VCF-style: chr5-32379312-C-T.
Other names: short protein forms R915K.
Identifiers: ClinVar variation 2397064 (VCV002397064.5), dbSNP rs369686567, ClinGen allele CA3221502.

ClinVar aggregate classification (germline): Uncertain significance. Review status: criteria provided, multiple submitters, no conflicts (2 of 4 stars). 2 submissions from 2 submitters: Uncertain significance (2). Last evaluated 2025-11-26.

Conditions:
Pure or complex autosomal recessive spastic paraplegia. Identifiers: Orphanet 320346, MedGen C5679887, MONDO:0017915.

Allele frequency attached by ClinVar (database versions not stated): TOPMed 0.00003; gnomAD 0.00005; gnomAD exomes 0.00005; ESP Exome Variant Server 0.00008; ExAC 0.00002.
gnomAD v4.1: 75 of 1,613,574 alleles (0.0046%); highest among the groups gnomAD compares: Non-Finnish European, 0.0062%; no homozygotes.

Submissions (2):

Labcorp Genetics (formerly Invitae), Labcorp
Classification: Uncertain significance for Pure or complex autosomal recessive spastic paraplegia. Last evaluated: 2025-11-26. Review status: criteria provided, single submitter. Criteria: Invitae Variant Classification Sherloc (09022015). Collection method: clinical testing. Allele origin: germline.
Comment: This sequence change replaces arginine, which is basic and polar, with lysine, which is basic and polar, at codon 915 of the ZFR protein (p.Arg915Lys). This variant is present in population databases (rs369686567, gnomAD 0.008%). This variant has not been reported in the literature in individuals affected with ZFR-related conditions. ClinVar contains an entry for this variant (Variation ID: 2397064). Experimental studies and prediction algorithms are not available or were not evaluated, and the functional significance of this variant is currently unknown. In summary, the available evidence is currently insufficient to determine the role of this variant in disease. Therefore, it has been classified as a Variant of Uncertain Significance.

Ambry Genetics
Classification: Uncertain significance. Last evaluated: 2021-12-13. Review status: criteria provided, single submitter. Criteria: Ambry Variant Classification Scheme 2023. Collection method: clinical testing. Allele origin: germline.